The following is an entry in ClinVar:

NM_052947.4(ALPK2):c.3096T>A (p.His1032Gln)

Gene: ALPK2 (alpha kinase 2; minus strand). Cytogenetic location: 18q21.31.
Variant type: single nucleotide variant.
Coding change: c.3096T>A on transcript NM_052947.4 (MANE Select); coding-DNA position 3096, T replaced by A.
Protein change: p.His1032Gln; replaces histidine 1032 with glutamine.
Molecular consequence: missense variant.
Genome position (GRCh38, 1-based): chr18:58,537,091, A>T on the plus strand (T>A on the coding strand, the complement: ALPK2 is on the minus strand). VCF-style: chr18-58537091-A-T. GRCh37 (hg19) VCF-style: chr18-56204323-A-T.
Other names: short protein forms H1032Q.
Identifiers: ClinVar variation 1727517 (VCV001727517.2), dbSNP rs143254374, ClinGen allele CA402569112.

ClinVar aggregate classification (germline): Uncertain significance (1 of 4 stars; one submission).

gnomAD v4.1: 1 of 1,614,210 alleles (0.000062%); highest among the groups gnomAD compares: Admixed American, 0.0017%; no homozygotes.

Submission:

Ambry Genetics
Classification: Uncertain significance. Last evaluated: 2022-07-21. Review status: criteria provided, single submitter. Criteria: Ambry Variant Classification Scheme 2023. Collection method: clinical testing. Allele origin: germline.
Comment: The p.H1032Q variant (also known as c.3096T>A), located in coding exon 4 of the ALPK2 gene, results from a T to A substitution at nucleotide position 3096. The histidine at codon 1032 is replaced by glutamine, an amino acid with highly similar properties. This amino acid position is conserved. In addition, this alteration is predicted to be tolerated by in silico analysis. Since supporting evidence is limited at this time, the clinical significance of this alteration remains unclear.